The following is an entry in ClinVar:

ClinVar aggregate classification (germline): Uncertain significance (1 of 4 stars; one submission).

Conditions:
Chédiak-Higashi syndrome (CHS). Also called: Chediak-Higashi Syndrome. Identifiers: Orphanet 167, MedGen C0007965, MONDO:0008963, OMIM 214500.

Allele frequency attached by ClinVar (database versions not stated): gnomAD 0.00001; gnomAD exomes 0.00001.
gnomAD v4.1: 6 of 1,613,404 alleles (0.00037%); highest among the groups gnomAD compares: Admixed American, 0.0017%; no homozygotes.

Submission:

Labcorp Genetics (formerly Invitae), Labcorp
Classification: Uncertain significance for Chédiak-Higashi syndrome. Last evaluated: 2022-08-09. Review status: criteria provided, single submitter. Criteria: Invitae Variant Classification Sherloc (09022015). Collection method: clinical testing. Allele origin: germline.
Comment: This sequence change replaces valine, which is neutral and non-polar, with methionine, which is neutral and non-polar, at codon 2894 of the LYST protein (p.Val2894Met). This variant is present in population databases (no rsID available, gnomAD 0.003%). This variant has not been reported in the literature in individuals affected with LYST-related conditions. Algorithms developed to predict the effect of missense changes on protein structure and function are either unavailable or do not agree on the potential impact of this missense change (SIFT: "Deleterious"; PolyPhen-2: "Probably Damaging"; Align-GVGD: "Class C0"). In summary, the available evidence is currently insufficient to determine the role of this variant in disease. Therefore, it has been classified as a Variant of Uncertain Significance.

NM_000081.4(LYST):c.8680G>A (p.Val2894Met)

Gene: LYST (lysosomal trafficking regulator; minus strand). Cytogenetic location: 1q42.3.
Variant type: single nucleotide variant.
Coding change: c.8680G>A on transcript NM_000081.4 (MANE Select); coding-DNA position 8680, G replaced by A.
Protein change: p.Val2894Met; replaces valine 2894 with methionine.
Molecular consequence: missense variant.
Genome position (GRCh38, 1-based): chr1:235,733,624, C>T on the plus strand (G>A on the coding strand, the complement: LYST is on the minus strand). VCF-style: chr1-235733624-C-T. GRCh37 (hg19) VCF-style: chr1-235896924-C-T.
Other names: c.8680G>A, p.Val2894Met (NM_001301365.1); short protein forms V2894M.
Identifiers: ClinVar variation 2179506 (VCV002179506.1), dbSNP rs1448351305, ClinGen allele CA344920377.
Genomic context (GRCh38, chr1:235,733,624, plus strand): 5'-TATACATTCCTCTAATATGCTGGATCACCTTTTTTCTCTCATTTCCTTGGGAGAGAGACA[C>T]TGCCTGGGTGATATCTGCAGCTATTTTAGATATATCCTTTGATTTTGAATCCAGACGCTG-3'
Protein context (NP_000072.2, residues 2884-2904): SKIAADITQA[Val2894Met]SLSQGNERKK